The following is an entry in ClinVar:

NM_024422.6(DSC2):c.802A>G (p.Thr268Ala)

Gene: DSC2 (desmocollin 2; minus strand). Cytogenetic location: 18q12.1.
Variant type: single nucleotide variant.
Coding change: c.802A>G on transcript NM_024422.6 (MANE Select); coding-DNA position 802, A replaced by G.
Protein change: p.Thr268Ala; replaces threonine 268 with alanine.
Molecular consequence: missense variant.
Genome position (GRCh38, 1-based): chr18:31,086,716, T>C on the plus strand (A>G on the coding strand, the complement: DSC2 is on the minus strand). VCF-style: chr18-31086716-T-C. GRCh37 (hg19) VCF-style: chr18-28666679-T-C.
Other names: p.T268A:ACT>GCT; c.802A>G, p.Thr268Ala (NM_004949.5); short protein forms T268A.
Identifiers: ClinVar variation 178019 (VCV000178019.47), dbSNP rs201015785, ClinGen allele CA022927.
Genomic context (GRCh38, chr18:31,086,716, plus strand): 5'-CCTGCCCAATGATGGAGTACTTCAGGCGTGTGTGCATCGTGTCAGGCTCATCTTTGTCAG[T>C]AGCACACACTTGTCCCACAGTAGTGCCTAGAGAAGAAAAGTCCTTTTTAATCTCCAAAAC-3'
Protein context (NP_077740.1, residues 258-278): VGTTVGQVCA[Thr268Ala]DKDEPDTMHT

ClinVar aggregate classification (germline): Conflicting classifications of pathogenicity. Review status: criteria provided, conflicting classifications (1 of 4 stars). 12 submissions from 12 submitters: Uncertain significance (7); Likely benign (5). Last evaluated 2026-08-14.

Conditions:
Cardiac arrhythmia. Also called: Cardiac rhythm disease; Arrhythmia. Identifiers: MedGen C0003811, MONDO:0007263, HP:0011675.
Cardiovascular phenotype. Identifiers: MedGen CN230736.
Familial isolated arrhythmogenic right ventricular dysplasia. Identifiers: Orphanet 217656, MedGen C4274968, MONDO:0016342.
Cardiomyopathy (CMYO). Also called: Cardiomyopathies. Identifiers: Orphanet 167848, MedGen C0878544, MONDO:0004994, HP:0001638. Inheritance: Various modes of inheritance.
Arrhythmogenic right ventricular dysplasia 11. Also called: Arrhythmogenic Right Ventricular Dysplasia/Cardiomyopathy11; Arrhythmogenic right ventricular dysplasia 11 with mild palmoplantar keratoderma and woolly hair; ARRHYTHMOGENIC RIGHT VENTRICULAR DYSPLASIA, FAMILIAL, 11. Identifiers: MedGen C1864850, MONDO:0012506, OMIM 610476.

Allele frequency attached by ClinVar (database versions not stated): TOPMed 0.00013; ESP Exome Variant Server 0.00023; gnomAD 0.00003; ExAC 0.00017; gnomAD exomes 0.00015.
gnomAD v4.1: 167 of 1,614,124 alleles (0.01%); highest among the groups gnomAD compares: Middle Eastern, 0.2%; no homozygotes.

Submissions (12):

GeneDx
Classification: Uncertain significance. Last evaluated: 2026-08-14. Review status: criteria provided, single submitter. Criteria: GeneDx Variant Classification Process June 2021. Collection method: clinical testing. Allele origin: germline.
Comment: Reported in two pediatric patients with DCM who also harbored additional disease-related variants as well as in an adult patient with DCM who also harbored a truncating variant in the TTN gene (PMID: 31568572, 32746448, 32826072); In silico analysis supports that this missense variant has a deleterious effect on protein structure/function; This variant is associated with the following publications: (PMID: 34426522, 32746448, 32826072, 32009526, 30847666, 35703482, 31568572)

Labcorp Genetics (formerly Invitae), Labcorp
Classification: Likely benign for Arrhythmogenic right ventricular dysplasia 11. Last evaluated: 2026-01-06. Review status: criteria provided, single submitter. Criteria: Invitae Variant Classification Sherloc (09022015). Collection method: clinical testing. Allele origin: germline.

Color Diagnostics, LLC DBA Color Health
Classification: Likely benign for Cardiomyopathy. Last evaluated: 2025-12-17. Review status: criteria provided, single submitter. Criteria: ACMG Guidelines, 2015. Collection method: clinical testing. Allele origin: germline.

Petrovsky National Research Centre of Surgery, The Federal Agency for Scientific Organizations
Classification: Uncertain significance for Cardiac arrhythmia. Last evaluated: 2025-11-18. Review status: criteria provided, single submitter. Criteria: ACMG Guidelines, 2015. Collection method: clinical testing. Allele origin: germline. Affected: yes.
Comment: The variant is rare in population databases (gnomAD v4.1.0 MAF 0.0001035). In accordance with ACMG (2015) criteria, this variant is classified as Variant of Uncertain Significance (Class III).

Women's Health and Genetics/Laboratory Corporation of America, LabCorp
Classification: Likely benign. Last evaluated: 2025-02-10. Review status: criteria provided, single submitter. Criteria: LabCorp Variant Classification Summary - May 2015. Collection method: clinical testing. Allele origin: germline.
Comment: Variant summary: DSC2 c.802A>G (p.Thr268Ala) results in a non-conservative amino acid change located in the Cadherin-like (IPR002126) of the encoded protein sequence. Three of five in-silico tools predict a damaging effect of the variant on protein function. The variant allele was found at a frequency of 0.0001 in 1614124 control chromosomes, predominantly at a frequency of 0.00037 within the Ashkenazi Jewish subpopulation in the gnomAD database. The observed variant frequency within Ashkenazi Jewish control individuals in the gnomAD database is approximately 2.3 fold of the estimated maximal expected allele frequency for a pathogenic variant in DSC2 causing Arrhythmogenic Right Ventricular Dysplasia/Cardiomyopathy phenotype (0.00016). c.802A>G has been reported in the literature in individuals affected with Cardiomyopathy or Long QT Syndrome without strong evidence of causality (Burstein_2021, Kuhnisch_2019, Pena-Pena_2021, Pottinger_2020, Saat_2022), and some patients were repoted to have other co-occurring variants, including a truncating TTN variant. These reports do not provide unequivocal conclusions about association of the variant with Cardiomyopathy. To our knowledge, no experimental evidence demonstrating an impact on protein function has been reported. The following publications have been ascertained in the context of this evaluation (PMID: 32826072, 32009526, 31568572, 32746448, 35703482). ClinVar contains an entry for this variant (Variation ID: 178019). Based on the evidence outlined above, the variant was classified as likely benign.

All of Us Research Program, National Institutes of Health
Classification: Uncertain significance for Familial isolated arrhythmogenic right ventricular dysplasia. Last evaluated: 2024-09-23. Review status: criteria provided, single submitter. Criteria: ACMG Guidelines, 2015. Collection method: clinical testing. Allele origin: germline. Inheritance: Autosomal dominant inheritance. Observed: 34 variant alleles, 34 heterozygotes.
Comment: This missense variant replaces threonine with alanine at codon 268 of the DSC2 protein. Computational prediction suggests that this variant may not impact protein structure and function (internally defined REVEL score threshold <= 0.5, PMID: 27666373). To our knowledge, functional studies have not been reported for this variant. This variant has been reported in two unrelated individuals affected with dilated cardiomyopathy (PMID: 31568572, 32746448), in another individual affected with cardiomyopathy (PMID: 32746448), and in six individuals suspected of having hypertrophic cardiomyopathy (PMID: 30847666). This variant has also been identified in 39/282652 chromosomes in the general population by the Genome Aggregation Database (gnomAD). The available evidence is insufficient to determine the role of this variant in disease conclusively. Therefore, this variant is classified as a Variant of Uncertain Significance.

This study involves interpretation of variants in research participants for the purpose of population health screening. Participant phenotype was not available at the time of variant classification. Additional details can be found in publication PMID: 35346344, PMCID: PMC8962531

CHEO Genetics Diagnostic Laboratory, Children's Hospital of Eastern Ontario
Classification: Uncertain significance for Cardiomyopathy. Last evaluated: 2023-01-05. Review status: criteria provided, single submitter. Criteria: ACMG Guidelines, 2015. Collection method: clinical testing. Allele origin: germline.

Ambry Genetics
Classification: Likely benign for Cardiovascular phenotype. Last evaluated: 2021-07-16. Review status: criteria provided, single submitter. Criteria: Ambry Variant Classification Scheme 2023. Collection method: clinical testing. Allele origin: germline.

Centre for Mendelian Genomics, University Medical Centre Ljubljana
Classification: Uncertain significance for Arrhythmogenic right ventricular dysplasia 11. Last evaluated: 2020-03-17. Review status: criteria provided, single submitter. Criteria: ACMG Guidelines, 2015. Collection method: clinical testing. Allele origin: unknown. Affected: yes.
Comment: This variant was classified as: Uncertain significance. The available evidence on this variant's pathogenicity is insufficient or conflicting. The following ACMG criteria were applied in classifying this variant: PM2,PP3.

Revvity Omics, Revvity
Classification: Uncertain significance for Arrhythmogenic right ventricular dysplasia 11. Last evaluated: 2020-02-24. Review status: criteria provided, single submitter. Criteria: ACMG Guidelines, 2015. Collection method: clinical testing. Allele origin: germline.

Laboratory for Molecular Medicine, Mass General Brigham Personalized Medicine
Classification: Likely benign. Last evaluated: 2019-10-18. Review status: criteria provided, single submitter. Criteria: LMM Criteria. Collection method: clinical testing. Allele origin: germline. Observed: 1 variant allele.
Comment: proposed classification - variant undergoing re-assessment, contact laboratory

Illumina Laboratory Services, Illumina
Classification: Uncertain significance for Arrhythmogenic right ventricular dysplasia 11. Last evaluated: 2018-01-13. Review status: criteria provided, single submitter. Criteria: ICSL Variant Classification Criteria 13 December 2019. Collection method: clinical testing. Allele origin: germline.

Literature cited by the submitters: PubMed 32009526 (cited by Women's Health and Genetics/Laboratory Corporation of America, LabCorp and Ambry Genetics); PubMed 31568572 (cited by 3 submitters); PubMed 32746448 (cited by Women's Health and Genetics/Laboratory Corporation of America, LabCorp and All of Us Research Program, National Institutes of Health); PubMed 32826072 (cited by Women's Health and Genetics/Laboratory Corporation of America, LabCorp); PubMed 35703482 (cited by Women's Health and Genetics/Laboratory Corporation of America, LabCorp); PubMed 30847666 (cited by All of Us Research Program, National Institutes of Health and Ambry Genetics).